The following is an entry in ClinVar:

NM_003850.3(SUCLA2):c.88C>G (p.Gln30Glu)

Genes: SUCLA2 (succinate-CoA ligase ADP-forming subunit beta; minus strand), LOC130009747 (ATAC-STARR-seq lymphoblastoid active region 7719; plus strand). Cytogenetic location: 13q14.2.
Variant type: single nucleotide variant.
Coding change: c.88C>G on transcript NM_003850.3 (MANE Select); coding-DNA position 88, C replaced by G.
Protein change: p.Gln30Glu; replaces glutamine 30 with glutamic acid.
Molecular consequence: missense variant.
Genome position (GRCh38, 1-based): chr13:48,001,182, G>C on the plus strand (C>G on the coding strand, the complement: SUCLA2 is on the minus strand). VCF-style: chr13-48001182-G-C. GRCh37 (hg19) VCF-style: chr13-48575318-G-C.
Other names: short protein forms Q30E.
Identifiers: ClinVar variation 707080 (VCV000707080.11), dbSNP rs568437392, ClinGen allele CA6978114.
Genomic context (GRCh38, chr13:48,001,182, plus strand): 5'-CACACCTCACCCTTTCTCCTGCCGACCCTCGAGACGACAGCGGACTGGAAGGCATTACCT[G>C]AGCAGCAGCCCGCTGGGCCGTCCGAGGCCGGTGGTTCCGAAGGGTGGCCACGGCCACTAG-3'
Protein context (NP_003841.1, residues 20-40): RPRTAQRAAA[Gln30Glu]VLGSSGLFNN

ClinVar aggregate classification (germline): Conflicting classifications of pathogenicity. Review status: criteria provided, conflicting classifications (1 of 4 stars). 2 submissions from 2 submitters: Uncertain significance (1); Benign (1). Last evaluated 2025-11-19.

Conditions:
Mitochondrial DNA depletion syndrome, encephalomyopathic form with methylmalonic aciduria (MTDPS5). Also called: MITOCHONDRIAL DNA DEPLETION SYNDROME, ENCEPHALOMYOPATHIC FORM, WITH OR WITHOUT METHYLMALONIC ACIDURIA, AUTOSOMAL RECESSIVE, SUCLA2-RELATED; Mitochondrial DNA depletion syndrome 5 (encephalomyopathic with or without methylmalonic aciduria); SUCLA2-Related Mitochondrial DNA Depletion Syndrome, Encephalomyopathic Form with Methylmalonic Aciduria; Mitochondrial encephalomyopathy aminoacidopathy. Identifiers: Orphanet 1933, MedGen C5980207, MONDO:0012791, OMIM 612073.

Allele frequency attached by ClinVar (database versions not stated): gnomAD 0.00001 and 0.00008; TOPMed 0.00001; gnomAD exomes 0.00035; ExAC 0.00051; 1000 Genomes Project 30x 0.00094; 1000 Genomes Project 0.00100.
gnomAD v4.1: 211 of 1,608,976 alleles (0.013%); highest among the groups gnomAD compares: South Asian, 0.22%; 2 homozygotes.

Submissions (2):

Labcorp Genetics (formerly Invitae), Labcorp
Classification: Benign for Mitochondrial DNA depletion syndrome, encephalomyopathic form with methylmalonic aciduria. Last evaluated: 2025-11-19. Review status: criteria provided, single submitter. Criteria: Invitae Variant Classification Sherloc (09022015). Collection method: clinical testing. Allele origin: germline.

GeneDx
Classification: Uncertain significance. Last evaluated: 2025-04-22. Review status: criteria provided, single submitter. Criteria: GeneDx Variant Classification Process June 2021. Collection method: clinical testing. Allele origin: germline. Affected: yes.
Comment: In silico analysis indicates that this missense variant does not alter protein structure/function; Has not been previously published as pathogenic or benign to our knowledge